The following is an entry in ClinVar:

NM_000334.4(SCN4A):c.*1986G>A

Genes: GH-LCR (growth hormone locus control region; plus strand), SCN4A (sodium voltage-gated channel alpha subunit 4; minus strand). Cytogenetic location: 17q23.3.
Variant type: single nucleotide variant.
Coding change: c.*1986G>A on transcript NM_000334.4 (MANE Select); 1986 bases downstream of the stop codon, G replaced by A.
Molecular consequence: 3 prime UTR variant.
Genome position (GRCh38, 1-based): chr17:63,938,785, C>T on the plus strand (G>A on the coding strand, the complement: SCN4A is on the minus strand). VCF-style: chr17-63938785-C-T. GRCh37 (hg19) VCF-style: chr17-62016145-C-T.
Other names: NM_000334.4:c.*1986G>A.
Identifiers: ClinVar variation 3383312 (VCV003383312.1).

ClinVar aggregate classification (germline): Uncertain significance (1 of 4 stars; one submission).

Conditions:
Congenital myopathy 22A, classic (CMYO22A). Identifiers: MedGen C5830453, MONDO:0957247, OMIM 620351.

Submission:

Broad Center for Mendelian Genomics, Broad Institute of MIT and Harvard
Classification: Uncertain significance for Congenital myopathy 22A, classic. Last evaluated: 2024-11-26. Review status: criteria provided, single submitter. Criteria: ACMG Guidelines, 2015. Collection method: curation. Allele origin: germline. Inheritance: Autosomal recessive inheritance. Study: GREGoR Consortium.
Comment: Trio exome analysis revealed that this variant was in trans with the other variant. The c.*1986G>A variant in SCN4A has not been previously reported in the literature in individuals with congenital myopathy and has been identified in 0.01% (8/68138) of European (non-Finnish) chromosomes by the Genome Aggregation Database (gnomAD; dbSNP rs1169978424). Computational prediction tools and conservation analyses do not provide strong support for or against an impact to the protein. In summary, while there is some suspicion for a pathogenic role, the clinical significance of this variant is uncertain. ACMG/AMP Criteria applied: PM2_supporting (Richards 2015).